The following is an entry in ClinVar:

ClinVar aggregate classification (germline): Uncertain significance (1 of 4 stars; one submission).

Allele frequency attached by ClinVar (database versions not stated): ExAC 0.00001; gnomAD exomes 0.00001; gnomAD 0.00003; 1000 Genomes Project 30x 0.00016; 1000 Genomes Project 0.00020.
gnomAD v4.1: 18 of 1,613,948 alleles (0.0011%); highest among the groups gnomAD compares: Non-Finnish European, 0.0014%; no homozygotes.

Submission:

Labcorp Genetics (formerly Invitae), Labcorp
Classification: Uncertain significance. Last evaluated: 2023-05-22. Review status: criteria provided, single submitter. Criteria: Invitae Variant Classification Sherloc (09022015). Collection method: clinical testing. Allele origin: germline.
Comment: This variant is present in population databases (rs141467284, gnomAD 0.002%). In summary, the available evidence is currently insufficient to determine the role of this variant in disease. Therefore, it has been classified as a Variant of Uncertain Significance. An algorithm developed to predict the effect of missense changes on protein structure and function (PolyPhen-2) suggests that this variant is likely to be tolerated. ClinVar contains an entry for this variant (Variation ID: 2419372). This variant has not been reported in the literature in individuals affected with PTPRO-related conditions. This sequence change replaces glutamic acid, which is acidic and polar, with lysine, which is basic and polar, at codon 1088 of the PTPRO protein (p.Glu1088Lys).

NM_030667.3(PTPRO):c.3262G>A (p.Glu1088Lys)

Gene: PTPRO (protein tyrosine phosphatase receptor type O; plus strand). Cytogenetic location: 12p12.3.
Variant type: single nucleotide variant.
Coding change: c.3262G>A on transcript NM_030667.3 (MANE Select); coding-DNA position 3262, G replaced by A.
Protein change: p.Glu1088Lys; replaces glutamic acid 1088 with lysine.
Molecular consequence: missense variant.
Genome position (GRCh38, 1-based): chr12:15,586,903, G>A. VCF-style: chr12-15586903-G-A. GRCh37 (hg19) VCF-style: chr12-15739837-G-A.
Other names: c.3178G>A, p.Glu1060Lys (NM_002848.4); c.745G>A, p.Glu249Lys (NM_030668.3, NM_030670.3); c.829G>A, p.Glu277Lys (NM_030669.3, NM_030671.3); short protein forms E1060K, E1088K, E249K, E277K.
Identifiers: ClinVar variation 2419372 (VCV002419372.5), dbSNP rs141467284, ClinGen allele CA6467139.